The following is an entry in ClinVar:

ClinVar aggregate classification (germline): Uncertain significance (1 of 4 stars; one submission).

Allele frequency attached by ClinVar (database versions not stated): gnomAD exomes below 0.00001; TOPMed below 0.00001.
gnomAD v4.1: 1 of 1,613,422 alleles (0.000062%); highest among the groups gnomAD compares: South Asian, 0.0011%; no homozygotes.

Submission:

Ambry Genetics
Classification: Uncertain significance. Last evaluated: 2024-01-14. Review status: criteria provided, single submitter. Criteria: Ambry Variant Classification Scheme 2023. Collection method: clinical testing. Allele origin: germline.
Comment: The p.A963T variant (also known as c.2887G>A), located in coding exon 25 of the KIF1B gene, results from a G to A substitution at nucleotide position 2887. The alanine at codon 963 is replaced by threonine, an amino acid with similar properties. This amino acid position is conserved. In addition, the in silico prediction for this alteration is inconclusive. Since supporting evidence is limited at this time, the clinical significance of this alteration remains unclear.

NM_001365951.3(KIF1B):c.3025G>A (p.Ala1009Thr)

Gene: KIF1B (kinesin family member 1B; plus strand). Cytogenetic location: 1p36.22.
Variant type: single nucleotide variant.
Coding change: c.3025G>A on transcript NM_001365951.3 (MANE Select); coding-DNA position 3025, G replaced by A.
Protein change: p.Ala1009Thr; replaces alanine 1009 with threonine.
Molecular consequence: missense variant.
Genome position (GRCh38, 1-based): chr1:10,334,620, G>A. VCF-style: chr1-10334620-G-A. GRCh37 (hg19) VCF-style: chr1-10394678-G-A.
Other names: c.3025G>A, p.Ala1009Thr (NM_001365952.1); c.2887G>A, p.Ala963Thr (NM_015074.3); short protein forms A1009T, A963T.
Identifiers: ClinVar variation 3226423 (VCV003226423.1), dbSNP rs1652093978, ClinGen allele CA338338829.